The following is an entry in ClinVar:

NM_005462.5(MAGEC1):c.3130C>G (p.Leu1044Val)

Gene: MAGEC1 (MAGE family member C1; plus strand). Cytogenetic location: Xq27.2.
Variant type: single nucleotide variant.
Coding change: c.3130C>G on transcript NM_005462.5 (MANE Select); coding-DNA position 3130, C replaced by G.
Protein change: p.Leu1044Val; replaces leucine 1044 with valine.
Molecular consequence: missense variant.
Genome position (GRCh38, 1-based): chrX:141,908,534, C>G. VCF-style: chrX-141908534-C-G. GRCh37 (hg19) VCF-style: chrX-140996320-C-G.
Other names: short protein forms L1044V.
Identifiers: ClinVar variation 2622169 (VCV002622169.3), dbSNP rs755152921, ClinGen allele CA10533994.

ClinVar aggregate classification (germline): Uncertain significance (1 of 4 stars; one submission).

Allele frequency attached by ClinVar (database versions not stated): ExAC 0.00001; TOPMed 0.00001.
gnomAD v4.1: 17 of 1,193,743 alleles (0.0014%); highest among the groups gnomAD compares: Non-Finnish European, 0.0017%; no homozygotes.

Submission:

Ambry Genetics
Classification: Uncertain significance. Last evaluated: 2026-03-25. Review status: criteria provided, single submitter. Criteria: Ambry Variant Classification Scheme 2023. Collection method: clinical testing. Allele origin: germline.
Comment: The c.3130C>G (p.L1044V) alteration is located in exon 4 (coding exon 2) of the MAGEC1 gene. This alteration results from a C to G substitution at nucleotide position 3130, causing the leucine (L) at amino acid position 1044 to be replaced by a valine (V). Based on data from gnomAD, the G allele has an overall frequency of 0.001% (2/164870) total alleles studied. The highest observed frequency was 0.025% (1/3974) of Other alleles. Based on insufficient or conflicting evidence, the clinical significance of this alteration remains unclear.